The following is an entry in ClinVar:

NM_005076.5(CNTN2):c.740C>G (p.Ala247Gly)

Gene: CNTN2 (contactin 2; plus strand). Cytogenetic location: 1q32.1.
Variant type: single nucleotide variant.
Coding change: c.740C>G on transcript NM_005076.5 (MANE Select); coding-DNA position 740, C replaced by G.
Protein change: p.Ala247Gly; replaces alanine 247 with glycine.
Molecular consequence: missense variant. On other transcripts: non-coding transcript variant (1).
Genome position (GRCh38, 1-based): chr1:205,059,625, C>G. VCF-style: chr1-205059625-C-G. GRCh37 (hg19) VCF-style: chr1-205028753-C-G.
Other names: c.740C>G, p.Ala247Gly (NM_001346083.2); short protein forms A247G.
Identifiers: ClinVar variation 1514188 (VCV001514188.6), dbSNP rs763480683, ClinGen allele CA1351138.

ClinVar aggregate classification (germline): Uncertain significance (1 of 4 stars; one submission).

Conditions:
Epilepsy, familial adult myoclonic, 5 (EPEO5). Also called: CORTICAL MYOCLONIC TREMOR WITH EPILEPSY, FAMILIAL, 5. Identifiers: Orphanet 86814, MedGen C3809374, MONDO:0014167, OMIM 615400.

Allele frequency attached by ClinVar (database versions not stated): gnomAD exomes 0.00003; ExAC 0.00004; gnomAD 0.00001.
gnomAD v4.1: 26 of 1,614,072 alleles (0.0016%); highest among the groups gnomAD compares: Middle Eastern, 0.033%; no homozygotes.

Submission:

Labcorp Genetics (formerly Invitae), Labcorp
Classification: Uncertain significance for Epilepsy, familial adult myoclonic, 5. Last evaluated: 2021-02-01. Review status: criteria provided, single submitter. Criteria: Invitae Variant Classification Sherloc (09022015). Collection method: clinical testing. Allele origin: germline.
Comment: This sequence change replaces alanine with glycine at codon 247 of the CNTN2 protein (p.Ala247Gly). The alanine residue is moderately conserved and there is a small physicochemical difference between alanine and glycine. In summary, the available evidence is currently insufficient to determine the role of this variant in disease. Therefore, it has been classified as a Variant of Uncertain Significance. Algorithms developed to predict the effect of missense changes on protein structure and function (SIFT, PolyPhen-2, Align-GVGD) all suggest that this variant is likely to be tolerated, but these predictions have not been confirmed by published functional studies and their clinical significance is uncertain. This variant has not been reported in the literature in individuals with CNTN2-related conditions. This variant is present in population databases (rs763480683, ExAC 0.03%).